The following is an entry in ClinVar:

NM_005159.5(ACTC1):c.246C>A (p.Asp82Glu)

Genes: GJD2-DT (GJD2 divergent transcript; plus strand), ACTC1 (actin alpha cardiac muscle 1; minus strand). Cytogenetic location: 15q14.
Variant type: single nucleotide variant.
Coding change: c.246C>A on transcript NM_005159.5 (MANE Select); coding-DNA position 246, C replaced by A.
Protein change: p.Asp82Glu; replaces aspartic acid 82 with glutamic acid.
Molecular consequence: missense variant.
Genome position (GRCh38, 1-based): chr15:34,793,453, G>T on the plus strand (C>A on the coding strand, the complement: ACTC1 is on the minus strand). VCF-style: chr15-34793453-G-T. GRCh37 (hg19) VCF-style: chr15-35085654-G-T.
Other names: c.246C>A, p.Asp82Glu (NM_001406482.1, NM_001406483.1); c.111C>A, p.Asp37Glu (NM_001406484.1); c.-143C>A (NM_001406485.1); short protein forms D37E, D82E.
Identifiers: ClinVar variation 1709086 (VCV001709086.3), dbSNP rs373261583, ClinGen allele CA391631762.

ClinVar aggregate classification (germline): Uncertain significance. Review status: criteria provided, multiple submitters, no conflicts (2 of 4 stars). 2 submissions from 2 submitters: Uncertain significance (2). Last evaluated 2024-05-30.

Conditions:
Hypertrophic cardiomyopathy. Also called: HYPERTROPHIC MYOCARDIOPATHY. Identifiers: Orphanet 217569, MedGen C0007194, MeSH D002312, MONDO:0005045, HP:0001639.
Dilated cardiomyopathy 1R (CMD1R). Identifiers: Orphanet 154, Orphanet 54260, MedGen C3150681, MONDO:0013261, OMIM 613424.

Submissions (2):

All of Us Research Program, National Institutes of Health
Classification: Uncertain significance for Hypertrophic cardiomyopathy. Last evaluated: 2024-05-30. Review status: criteria provided, single submitter. Criteria: ACMG Guidelines, 2015. Collection method: clinical testing. Allele origin: germline. Inheritance: Autosomal dominant inheritance. Observed: 1 variant allele, 1 heterozygote.
Comment: This missense variant replaces aspartic acid with glutamic acid at codon 82 of the ACTC1 protein. Computational prediction is inconclusive regarding the impact of this variant on protein structure and function (internally defined REVEL score threshold 0.5 < inconclusive < 0.7, PMID: 27666373). To our knowledge, functional studies have not been reported for this variant. This variant has not been reported in individuals affected with ACTC1-related disorders in the literature. This variant has not been identified in the general population by the Genome Aggregation Database (gnomAD). The available evidence is insufficient to determine the role of this variant in disease conclusively. Therefore, this variant is classified as a Variant of Uncertain Significance.

This study involves interpretation of variants in research participants for the purpose of population health screening. Participant phenotype was not available at the time of variant classification. Additional details can be found in publication PMID: 35346344, PMCID: PMC8962531

MGZ Medical Genetics Center
Classification: Uncertain significance for Dilated cardiomyopathy 1R. Last evaluated: 2022-01-13. Review status: criteria provided, single submitter. Criteria: ACMG Guidelines, 2015. Collection method: clinical testing. Allele origin: germline. Affected: yes. Observed: 1 variant allele.
Comment: ACMG criteria applied: PM2_SUP, PP2, PP3